The following is an entry in ClinVar:

NM_017654.4(SAMD9):c.2582A>T (p.Glu861Val)

Gene: SAMD9 (sterile alpha motif domain containing 9; minus strand). Cytogenetic location: 7q21.2.
Variant type: single nucleotide variant.
Coding change: c.2582A>T on transcript NM_017654.4 (MANE Select); coding-DNA position 2582, A replaced by T.
Protein change: p.Glu861Val; replaces glutamic acid 861 with valine.
Molecular consequence: missense variant.
Genome position (GRCh38, 1-based): chr7:93,103,516, T>A on the plus strand (A>T on the coding strand, the complement: SAMD9 is on the minus strand). VCF-style: chr7-93103516-T-A. GRCh37 (hg19) VCF-style: chr7-92732829-T-A.
Other names: c.2582A>T, p.Glu861Val (NM_001193307.2); short protein forms E861V.
Identifiers: ClinVar variation 3437006 (VCV003437006.2).

ClinVar aggregate classification (germline): Uncertain significance. Review status: criteria provided, multiple submitters, no conflicts (2 of 4 stars). 2 submissions from 2 submitters: Uncertain significance (2). Last evaluated 2025-02-25.

Conditions:
Inborn genetic diseases. Identifiers: MedGen C0950123, MeSH D030342.

Submissions (2):

Labcorp Genetics (formerly Invitae), Labcorp
Classification: Uncertain significance. Last evaluated: 2025-02-25. Review status: criteria provided, single submitter. Criteria: Invitae Variant Classification Sherloc (09022015). Collection method: clinical testing. Allele origin: germline.
Comment: This sequence change replaces glutamic acid, which is acidic and polar, with valine, which is neutral and non-polar, at codon 861 of the SAMD9 protein (p.Glu861Val). This variant is present in population databases (rs761640404, gnomAD 0.03%). This variant has not been reported in the literature in individuals affected with SAMD9-related conditions. ClinVar contains an entry for this variant (Variation ID: 3437006). Invitae Evidence Modeling of protein sequence and biophysical properties (such as structural, functional, and spatial information, amino acid conservation, physicochemical variation, residue mobility, and thermodynamic stability) has been performed for this missense variant. However, the output from this modeling did not meet the statistical confidence thresholds required to predict the impact of this variant on SAMD9 protein function. In summary, the available evidence is currently insufficient to determine the role of this variant in disease. Therefore, it has been classified as a Variant of Uncertain Significance.

Ambry Genetics
Classification: Uncertain significance for Inborn genetic diseases. Last evaluated: 2024-11-20. Review status: criteria provided, single submitter. Criteria: Ambry Variant Classification Scheme 2023. Collection method: clinical testing. Allele origin: germline.
Comment: The p.E861V variant (also known as c.2582A>T), located in coding exon 1 of the SAMD9 gene, results from an A to T substitution at nucleotide position 2582. The glutamic acid at codon 861 is replaced by valine, an amino acid with dissimilar properties. This amino acid position is conserved. In addition, this alteration is predicted to be deleterious by in silico analysis. Based on the available evidence, the clinical significance of this variant remains unclear.